The following is an entry in ClinVar:

ClinVar aggregate classification (germline): Uncertain significance (1 of 4 stars; one submission).

Submission:

GeneDx
Classification: Uncertain significance. Last evaluated: 2022-02-17. Review status: criteria provided, single submitter. Criteria: GeneDx Variant Classification Process June 2021. Collection method: clinical testing. Allele origin: germline. Affected: yes.
Comment: Not observed at significant frequency in large population cohorts (gnomAD); In silico analysis supports that this missense variant does not alter protein structure/function; Has not been previously published as pathogenic or benign to our knowledge

NM_016628.5(WAC):c.857C>A (p.Ser286Tyr)

Gene: WAC (WW domain containing adaptor with coiled-coil; plus strand). Cytogenetic location: 10p12.1.
Variant type: single nucleotide variant.
Coding change: c.857C>A on transcript NM_016628.5 (MANE Select); coding-DNA position 857, C replaced by A.
Protein change: p.Ser286Tyr; replaces serine 286 with tyrosine.
Molecular consequence: missense variant. On other transcripts: intron variant (1).
Genome position (GRCh38, 1-based): chr10:28,595,979, C>A. VCF-style: chr10-28595979-C-A. GRCh37 (hg19) VCF-style: chr10-28884908-C-A.
Other names: c.722C>A, p.Ser241Tyr (NM_100264.3); c.610+5147C>A (NM_100486.4); short protein forms S241Y, S286Y.
Identifiers: ClinVar variation 1702583 (VCV001702583.2), dbSNP rs2132709921, ClinGen allele CA376402407.